The following is an entry in ClinVar:

ClinVar aggregate classification (germline): Conflicting classifications of pathogenicity. Review status: criteria provided, conflicting classifications (1 of 4 stars). 10 submissions from 10 submitters: Uncertain significance (1); Likely benign (6). 3 of the submissions do not count toward it. Last evaluated 2026-08-01.

Conditions:
VPS13A-related neurodegenerative disease. Also called: Chorea-acanthocytosis; VPS13A Disease; Choreaacanthocytosis; ACANTHOCYTOSIS WITH NEUROLOGIC DISORDER; LEVINE-CRITCHLEY SYNDROME; Choreoacanthocytosis. Identifiers: Orphanet 2388, MedGen C0393576, MONDO:0008695, OMIM 200150.

Allele frequency attached by ClinVar (database versions not stated): 1000 Genomes Project 30x 0.00031; 1000 Genomes Project 0.00040; TOPMed 0.00069; ExAC 0.00077; ESP Exome Variant Server 0.00100; gnomAD exomes 0.00101 and 0.00102; gnomAD 0.00103 and 0.00104.
gnomAD v4.1: 1,620 of 1,613,664 alleles (0.1%); highest among the groups gnomAD compares: Non-Finnish European, 0.11%; 3 homozygotes.

Submissions (10):

CeGaT Center for Human Genetics Tuebingen
Classification: Likely benign. Last evaluated: 2026-08-01. Review status: criteria provided, single submitter. Criteria: CeGaT Center For Human Genetics Tuebingen Variant Classification Criteria Version 2. Collection method: clinical testing. Allele origin: germline. Affected: yes. Observed: 6 variant alleles.
Comment: VPS13A: BP4, BP7

Labcorp Genetics (formerly Invitae), Labcorp
Classification: Likely benign. Last evaluated: 2026-01-27. Review status: criteria provided, single submitter. Criteria: Invitae Variant Classification Sherloc (09022015). Collection method: clinical testing. Allele origin: germline.

Mayo Clinic Laboratories, Mayo Clinic
Classification: Likely benign. Last evaluated: 2025-05-23. Review status: criteria provided, single submitter. Criteria: ACMG Guidelines, 2015. Collection method: clinical testing. Allele origin: germline. Observed: 2 variant alleles.
Comment: BS1, BP4, BP7

Blueprint Genetics
Classification: Likely benign. Last evaluated: 2024-11-18. Review status: criteria provided, single submitter. Criteria: ACMG Guidelines, 2015. Collection method: clinical testing. Allele origin: germline.

GeneDx
Classification: Likely benign. Last evaluated: 2021-06-08. Review status: criteria provided, single submitter. Criteria: GeneDx Variant Classification Process June 2021. Collection method: clinical testing. Allele origin: germline. Affected: yes.
Comment: See Variant Classification Assertion Criteria.

Illumina Laboratory Services, Illumina
Classification: Uncertain significance for VPS13A-related neurodegenerative disease. Last evaluated: 2018-01-12. Review status: criteria provided, single submitter. Criteria: ICSL Variant Classification Criteria 13 December 2019. Collection method: clinical testing. Allele origin: germline.

Athena Diagnostics
Classification: Likely benign. Last evaluated: 2016-11-01. Review status: criteria provided, single submitter. Criteria: Athena Diagnostics Criteria. Collection method: clinical testing. Allele origin: germline.

Natera, Inc.
Classification: Benign for Choreaacanthocytosis. Last evaluated: 2019-10-21. Review status: no assertion criteria provided. Collection method: clinical testing. Allele origin: germline. Not counted in ClinVar's aggregate classification.

Clinical Genetics DNA and cytogenetics Diagnostics Lab, Erasmus MC, Erasmus Medical Center
Classification: Likely benign. Review status: no assertion criteria provided. Collection method: clinical testing. Allele origin: germline. Affected: yes. Study: VKGL Data-share Consensus. Not counted in ClinVar's aggregate classification.

Genome Diagnostics Laboratory, Amsterdam University Medical Center
Classification: Likely benign. Review status: no assertion criteria provided. Collection method: clinical testing. Allele origin: germline. Affected: yes. Study: VKGL Data-share Consensus. Not counted in ClinVar's aggregate classification.

NM_033305.3(VPS13A):c.5292G>T (p.Leu1764=)

Gene: VPS13A (vacuolar protein sorting 13 homolog A; plus strand). Cytogenetic location: 9q21.2.
Variant type: single nucleotide variant.
Coding change: c.5292G>T on transcript NM_033305.3 (MANE Select); coding-DNA position 5292, G replaced by T.
Protein change: p.Leu1764=; no amino-acid change (leucine 1764 retained).
Molecular consequence: synonymous variant.
Genome position (GRCh38, 1-based): chr9:77,318,570, G>T. VCF-style: chr9-77318570-G-T. GRCh37 (hg19) VCF-style: chr9-79933486-G-T.
Other names: p.Leu1764=; c.5175G>T, p.Leu1725= (NM_001018037.2); c.5292G>T, p.Leu1764= (NM_001018038.3, NM_015186.4).
Identifiers: ClinVar variation 367388 (VCV000367388.48), dbSNP rs141528779, ClinGen allele CA5092718.
Genomic context (GRCh38, chr9:77,318,570, plus strand): 5'-GCTTCTGGCAAAGTCACGTTTTTCAGGGGAAGGCAAAAACTGGAGTTCCCTAATAAATCT[G>T]CACTGTCAGCTTGAGCTAGAAGTAAGCATATTTTTCCAGTTTTATAACAGATAATGATAC-3'
Protein context (NP_150648.2, residues 1754-1774): EGKNWSSLIN[Leu1764=]HCQLELEVHY